The following is an entry in ClinVar:

NM_001267550.2(TTN):c.22027C>T (p.Gln7343Ter)

Gene: TTN (titin; minus strand). Cytogenetic location: 2q31.2.
Variant type: single nucleotide variant.
Coding change: c.22027C>T on transcript NM_001267550.2 (MANE Select); coding-DNA position 22027, C replaced by T.
Protein change: p.Gln7343Ter; replaces glutamine 7343 with a stop codon.
Molecular consequence: nonsense. On other transcripts: intron variant (3).
Genome position (GRCh38, 1-based): chr2:178,722,872, G>A on the plus strand (C>T on the coding strand, the complement: TTN is on the minus strand). VCF-style: chr2-178722872-G-A. GRCh37 (hg19) VCF-style: chr2-179587599-G-A.
Other names: c.21076C>T, p.Gln7026Ter (NM_001256850.1); c.18295C>T, p.Gln6099Ter (NM_133378.4); c.13282+15210C>T (NM_003319.4); c.13858+15210C>T (NM_133437.4); c.13657+15210C>T (NM_133432.3); short protein forms Q7343*, Q6099*, Q7026*.
Identifiers: ClinVar variation 286602 (VCV000286602.13), dbSNP rs886043434, ClinGen allele CA10605518.

ClinVar aggregate classification (germline): Conflicting classifications of pathogenicity. Review status: criteria provided, conflicting classifications (1 of 4 stars). 2 submissions from 2 submitters: Pathogenic (1); Uncertain significance (1). Last evaluated 2024-10-18.

Conditions:
Dilated cardiomyopathy 1G (CMD1G). Identifiers: Orphanet 154, MedGen C1858763, MONDO:0011400, OMIM 604145.
Autosomal recessive limb-girdle muscular dystrophy type 2J (LGMDR10). Also called: Limb-girdle muscular dystrophy, type 2J; MUSCULAR DYSTROPHY, LIMB-GIRDLE, AUTOSOMAL RECESSIVE 10. Identifiers: Orphanet 140922, MedGen C1837342, MONDO:0012127, OMIM 608807.

Submissions (2):

Labcorp Genetics (formerly Invitae), Labcorp
Classification: Pathogenic for Dilated cardiomyopathy 1G; Autosomal recessive limb-girdle muscular dystrophy type 2J. Last evaluated: 2024-10-18. Review status: criteria provided, single submitter. Criteria: Invitae Variant Classification Sherloc (09022015). Collection method: clinical testing. Allele origin: germline.
Comment: This sequence change creates a premature translational stop signal (p.Gln7343*) in the TTN gene. While this is not anticipated to result in nonsense mediated decay, it is expected to create a truncated TTN protein. This variant is not present in population databases (gnomAD no frequency). This premature translational stop signal has been observed in individuals with clinical features of autosomal recessive congenital myopathy or limb-girdle muscular dystrophy (PMID: 27796757; internal data). ClinVar contains an entry for this variant (Variation ID: 286602). This variant is located in the I band of TTN (PMID: 25589632). Truncating variants in this region have been reported in individuals affected with autosomal recessive centronuclear myopathy (PMID: 23975875, internal data). Truncating variants in this region have also been identified in individuals affected with autosomal dominant dilated cardiomyopathy and/or cardio-related conditions (PMID: 27869827, 32964742, internal data). For these reasons, this variant has been classified as Pathogenic.

Eurofins Ntd Llc (ga)
Classification: Uncertain significance. Last evaluated: 2016-03-16. Review status: criteria provided, single submitter. Criteria: EGL Classification Definitions 2015. Collection method: clinical testing. Allele origin: germline. Observed: 1 variant allele, 1 heterozygote.

Literature cited by the submitters: PubMed 27796757 (cited by Labcorp Genetics (formerly Invitae), Labcorp); PubMed 25589632 (cited by Labcorp Genetics (formerly Invitae), Labcorp); PubMed 23975875 (cited by Labcorp Genetics (formerly Invitae), Labcorp); PubMed 27869827 (cited by Labcorp Genetics (formerly Invitae), Labcorp); PubMed 32964742 (cited by Labcorp Genetics (formerly Invitae), Labcorp).